The following is an entry in ClinVar:

ClinVar aggregate classification (germline): Benign/Likely benign. Review status: criteria provided, multiple submitters, no conflicts (2 of 4 stars). 3 submissions from 3 submitters: Benign (1); Likely benign (2). Last evaluated 2022-04-01.

Allele frequency attached by ClinVar (database versions not stated): gnomAD exomes 0.00031; gnomAD 0.00153 and 0.00164; 1000 Genomes Project 30x 0.00156; 1000 Genomes Project 0.00180; TOPMed 0.00187; ExAC 0.00189.
gnomAD v4.1: 458 of 1,537,456 alleles (0.03%); highest among the groups gnomAD compares: African/African-American, 0.53%; 2 homozygotes.

Submissions (3):

CeGaT Center for Human Genetics Tuebingen
Classification: Likely benign. Last evaluated: 2022-04-01. Review status: criteria provided, single submitter. Criteria: CeGaT Center For Human Genetics Tuebingen Variant Classification Criteria Version 2. Collection method: clinical testing. Allele origin: germline. Affected: yes. Observed: 1 variant allele.
Comment: GRM5: BP4, BP7

Labcorp Genetics (formerly Invitae), Labcorp
Classification: Benign. Last evaluated: 2019-12-31. Review status: criteria provided, single submitter. Criteria: Invitae Variant Classification Sherloc (09022015). Collection method: clinical testing. Allele origin: germline.

Breakthrough Genomics
Classification: Likely benign. Review status: criteria provided, single submitter. Criteria: ACMG Guidelines, 2015. Collection method: not provided. Allele origin: germline. Inheritance: Unknown mechanism. Affected: yes.

NM_001143831.3(GRM5):c.2931G>T (p.Thr977=)

Genes: GRM5 (glutamate metabotropic receptor 5; minus strand), GRM5-AS1 (GRM5 antisense RNA 1; plus strand), LOC130006577 (ATAC-STARR-seq lymphoblastoid silent region 3833; plus strand). Cytogenetic location: 11q14.2.
Variant type: single nucleotide variant.
Coding change: c.2931G>T on transcript NM_001143831.3 (MANE Select); coding-DNA position 2931, G replaced by T.
Protein change: p.Thr977=; no amino-acid change (threonine 977 retained).
Molecular consequence: synonymous variant.
Genome position (GRCh38, 1-based): chr11:88,509,300, C>A on the plus strand (G>T on the coding strand, the complement: GRM5 is on the minus strand). VCF-style: chr11-88509300-C-A. GRCh37 (hg19) VCF-style: chr11-88242468-C-A.
Other names: c.2835G>T, p.Thr945= (NM_000842.5, NM_001384268.1).
Identifiers: ClinVar variation 717004 (VCV000717004.29), dbSNP rs201317984, ClinGen allele CA6220346.